The following is an entry in ClinVar:

NM_031407.7(HUWE1):c.986G>C (p.Arg329Pro)

Gene: HUWE1 (HECT, UBA and WWE domain containing E3 ubiquitin protein ligase 1; minus strand). Cytogenetic location: Xp11.22.
Variant type: single nucleotide variant.
Coding change: c.986G>C on transcript NM_031407.7 (MANE Select); coding-DNA position 986, G replaced by C.
Protein change: p.Arg329Pro; replaces arginine 329 with proline.
Molecular consequence: missense variant.
Genome position (GRCh38, 1-based): chrX:53,628,880, C>G on the plus strand (G>C on the coding strand, the complement: HUWE1 is on the minus strand). VCF-style: chrX-53628880-C-G. GRCh37 (hg19) VCF-style: chrX-53655831-C-G.
Other names: short protein forms R329P.
Identifiers: ClinVar variation 3899723 (VCV003899723.1).

ClinVar aggregate classification (germline): Uncertain significance (1 of 4 stars; one submission).

Submission:

GeneDx
Classification: Uncertain significance. Last evaluated: 2024-11-19. Review status: criteria provided, single submitter. Criteria: GeneDx Variant Classification Process June 2021. Collection method: clinical testing. Allele origin: germline. Affected: yes.
Comment: Not observed at significant frequency in large population cohorts (gnomAD); In silico analysis supports that this missense variant has a deleterious effect on protein structure/function; Has not been previously published as pathogenic or benign to our knowledge